The following is an entry in ClinVar:

NM_005204.4(MAP3K8):c.442G>A (p.Ala148Thr)

Gene: MAP3K8 (mitogen-activated protein kinase kinase kinase 8; plus strand). Cytogenetic location: 10p11.23.
Variant type: single nucleotide variant.
Coding change: c.442G>A on transcript NM_005204.4 (MANE Select); coding-DNA position 442, G replaced by A.
Protein change: p.Ala148Thr; replaces alanine 148 with threonine.
Molecular consequence: missense variant.
Genome position (GRCh38, 1-based): chr10:30,447,887, G>A. VCF-style: chr10-30447887-G-A. GRCh37 (hg19) VCF-style: chr10-30736816-G-A.
Other names: c.442G>A, p.Ala148Thr (NM_001244134.1, NM_001320961.2); short protein forms A148T.
Identifiers: ClinVar variation 2896807 (VCV002896807.3), dbSNP rs3751449, ClinGen allele CA5459667.

ClinVar aggregate classification (germline): Uncertain significance (1 of 4 stars; one submission).

Allele frequency attached by ClinVar (database versions not stated): gnomAD 0.00007; gnomAD exomes 0.00007; ESP Exome Variant Server 0.00015; 1000 Genomes Project 0.00040; TOPMed 0.00003; 1000 Genomes Project 30x 0.00031; ExAC 0.00002.
gnomAD v4.1: 107 of 1,613,716 alleles (0.0066%); highest among the groups gnomAD compares: East Asian, 0.21%; no homozygotes.

Submission:

Labcorp Genetics (formerly Invitae), Labcorp
Classification: Uncertain significance. Last evaluated: 2025-08-24. Review status: criteria provided, single submitter. Criteria: Invitae Variant Classification Sherloc (09022015). Collection method: clinical testing. Allele origin: germline.
Comment: This sequence change replaces alanine, which is neutral and non-polar, with threonine, which is neutral and polar, at codon 148 of the MAP3K8 protein (p.Ala148Thr). This variant is present in population databases (rs3751449, gnomAD 0.02%). This variant has not been reported in the literature in individuals affected with MAP3K8-related conditions. ClinVar contains an entry for this variant (Variation ID: 2896807). An algorithm developed to predict the effect of missense changes on protein structure and function (PolyPhen-2) suggests that this variant is likely to be disruptive. In summary, the available evidence is currently insufficient to determine the role of this variant in disease. Therefore, it has been classified as a Variant of Uncertain Significance.